The following is an entry in ClinVar:

NM_001330078.2(NRXN1):c.1730A>G (p.His577Arg)

Gene: NRXN1 (neurexin 1; minus strand). Cytogenetic location: 2p16.3.
Variant type: single nucleotide variant.
Coding change: c.1730A>G on transcript NM_001330078.2 (MANE Select); coding-DNA position 1730, A replaced by G.
Protein change: p.His577Arg; replaces histidine 577 with arginine.
Molecular consequence: missense variant.
Genome position (GRCh38, 1-based): chr2:50,552,616, T>C on the plus strand (A>G on the coding strand, the complement: NRXN1 is on the minus strand). VCF-style: chr2-50552616-T-C. GRCh37 (hg19) VCF-style: chr2-50779754-T-C.
Other names: c.1850A>G, p.His617Arg (NM_001135659.3); c.1706A>G, p.His569Arg (NM_001330077.2, NM_001330082.2, NM_001330095.2); c.1691A>G, p.His564Arg (NM_001330083.2, NM_001330084.2); c.1730A>G, p.His577Arg (NM_001330085.2, NM_001330086.2, NM_004801.6); c.1646A>G, p.His549Arg (NM_001330087.2, NM_001330096.2); c.1676A>G, p.His559Arg (NM_001330088.2); c.1727A>G, p.His576Arg (NM_001330093.2); c.1718A>G, p.His573Arg (NM_001330094.2); short protein forms H617R, H564R, H569R, H573R, H577R, H559R, H549R, H576R.
Identifiers: ClinVar variation 284897 (VCV000284897.8), dbSNP rs886042974, ClinGen allele CA10604942.

ClinVar aggregate classification (germline): Uncertain significance. Review status: criteria provided, multiple submitters, no conflicts (2 of 4 stars). 2 submissions from 2 submitters: Uncertain significance (2). Last evaluated 2023-08-18.

Conditions:
Pitt-Hopkins-like syndrome 2 (PTHSL2). Identifiers: Orphanet 221150, Orphanet 600663, MedGen C3280479, MONDO:0013690, OMIM 614325.

Allele frequency attached by ClinVar (database versions not stated): gnomAD 0.00001.
gnomAD v4.1: 1 of 1,613,674 alleles (0.000062%); highest among the groups gnomAD compares: African/African-American, 0.0013%; no homozygotes.

Submissions (2):

Labcorp Genetics (formerly Invitae), Labcorp
Classification: Uncertain significance for Pitt-Hopkins-like syndrome 2. Last evaluated: 2023-08-18. Review status: criteria provided, single submitter. Criteria: Invitae Variant Classification Sherloc (09022015). Collection method: clinical testing. Allele origin: germline.
Comment: This sequence change replaces histidine, which is basic and polar, with arginine, which is basic and polar, at codon 617 of the NRXN1 protein (p.His617Arg). This variant is not present in population databases (gnomAD no frequency). In summary, the available evidence is currently insufficient to determine the role of this variant in disease. Therefore, it has been classified as a Variant of Uncertain Significance. An algorithm developed to predict the effect of missense changes on protein structure and function (PolyPhen-2) suggests that this variant is likely to be tolerated. ClinVar contains an entry for this variant (Variation ID: 284897). This variant has not been reported in the literature in individuals affected with NRXN1-related conditions.

Eurofins Ntd Llc (ga)
Classification: Uncertain significance. Last evaluated: 2015-12-03. Review status: criteria provided, single submitter. Criteria: EGL Classification Definitions 2015. Collection method: clinical testing. Allele origin: germline. Observed: 1 variant allele, 1 heterozygote.